The following is an entry in ClinVar:

ClinVar aggregate classification (germline): Benign/Likely benign. Review status: criteria provided, multiple submitters, no conflicts (2 of 4 stars). 9 submissions from 9 submitters: Benign (2); Likely benign (5). 2 of the submissions do not count toward it. Last evaluated 2025-05-01.

Conditions:
Polycystic kidney disease, adult type (PKD1). Also called: Polycystic Kidney Disease 1, Autosomal Dominant; Polycystic kidney disease 1; Polycystic kidney disease 1, severe; POLYCYSTIC KIDNEY DISEASE, ADULT, TYPE I; POLYCYSTIC KIDNEY DISEASE 1 WITH OR WITHOUT POLYCYSTIC LIVER DISEASE; Polycystic Kidney, Autosomal Dominant. Identifiers: MedGen C3149841, MONDO:0008263, OMIM 173900.
PKD1-related disorder. Also called: PKD1-related condition.
Autosomal dominant polycystic kidney disease. Identifiers: Orphanet 730, MedGen C0085413, MONDO:0004691.

Allele frequency attached by ClinVar (database versions not stated): gnomAD 0.00022; 1000 Genomes Project 30x 0.00031; 1000 Genomes Project 0.00040; ESP Exome Variant Server 0.00047; TOPMed 0.00053; gnomAD exomes 0.00067; ExAC 0.00092.
gnomAD v4.1: 952 of 1,611,214 alleles (0.059%); highest among the groups gnomAD compares: Non-Finnish European, 0.067%; 2 homozygotes.

Submissions (9):

CeGaT Center for Human Genetics Tuebingen
Classification: Benign. Last evaluated: 2025-05-01. Review status: criteria provided, single submitter. Criteria: CeGaT Center For Human Genetics Tuebingen Variant Classification Criteria Version 2. Collection method: clinical testing. Allele origin: germline. Affected: yes. Observed: 1 variant allele.
Comment: PKD1: BP4, BS1, BS2

Laboratory of Genetics, Children's Clinical University Hospital Latvia
Classification: Likely benign. Last evaluated: 2025-02-16. Review status: criteria provided, single submitter. Criteria: ACMG Guidelines, 2015. Collection method: clinical testing. Allele origin: germline. Affected: yes.

Blueprint Genetics
Classification: Likely benign. Last evaluated: 2024-11-13. Review status: criteria provided, single submitter. Criteria: ACMG Guidelines, 2015. Collection method: clinical testing. Allele origin: germline.

Athena Diagnostics
Classification: Benign. Last evaluated: 2020-09-04. Review status: criteria provided, single submitter. Criteria: Athena Diagnostics criteria. Collection method: clinical testing. Allele origin: unknown.

ARUP Laboratories, Molecular Genetics and Genomics, ARUP Laboratories
Classification: Likely benign for Polycystic kidney disease, adult type. Last evaluated: 2019-01-22. Review status: criteria provided, single submitter. Criteria: ARUP Molecular Germline Variant Investigation Process. Collection method: clinical testing. Allele origin: germline.

Molecular Genetics of Inherited Kidney Disorders Laboratory, Garvan Institute of Medical Research
Classification: Likely benign for Autosomal dominant polycystic kidney disease. Last evaluated: 2019-01-01. Review status: criteria provided, single submitter. Criteria: ACMG Guidelines, 2015. Collection method: research. Allele origin: germline. Affected: yes.

Breakthrough Genomics
Classification: Likely benign. Review status: criteria provided, single submitter. Criteria: ACMG Guidelines, 2015. Collection method: not provided. Allele origin: germline. Inheritance: Autosomal dominant inheritance. Affected: yes.

PreventionGenetics, part of Exact Sciences
Classification: Likely benign for PKD1-related condition. Last evaluated: 2024-04-14. Review status: no assertion criteria provided. Collection method: clinical testing. Allele origin: germline. Not counted in ClinVar's aggregate classification.
Comment: This variant is classified as likely benign based on ACMG/AMP sequence variant interpretation guidelines (Richards et al. 2015 PMID: 25741868, with internal and published modifications).

Department of Pathology and Laboratory Medicine, Sinai Health System
Classification: Uncertain significance. Review status: no assertion criteria provided. Collection method: clinical testing. Allele origin: unknown. Affected: yes. Study: The Canadian Open Genetics Repository (COGR). Not counted in ClinVar's aggregate classification.
Comment: The PKD1 p.Ala1227Ser variant was not identified in the literature nor was it identified in the ClinVar or LOVD 3.0. The variant was identified in dbSNP (ID: rs150710956) and the ADPKD Mutation Database (predicted likely neutral). The variant was also identified in control databases in 168 of 270900 chromosomes at a frequency of 0.00062 increasing the likelihood this could be a low frequency benign variant (Genome Aggregation Database Feb 27, 2017). The variant was observed in the following populations: Other in 8 of 6962 chromosomes (freq: 0.001149), European (Finnish) in 27 of 23832 chromosomes (freq: 0.001133), European (non-Finnish) in 118 of 122276 chromosomes (freq: 0.000965), Latino in 13 of 34970 chromosomes (freq: 0.000372) and African in 2 of 23170 chromosomes (freq: 0.000086); it was not observed in the Ashkenazi Jewish, East Asian, and South Asian populations. In addition we cannot be certain that data from control databases is specific to PKD1 and not from one of the six PKD1 pseudogenes. The p.Ala1227 residue is conserved in mammals but not in more distantly related organisms however computational analyses (SIFT, AlignGVGD, BLOSUM, MutationTaster) do not suggest a high likelihood of impact to the protein; this information is not predictive enough to rule out pathogenicity. The variant occurs outside of the splicing consensus sequence and in silico or computational prediction software programs (SpliceSiteFinder, MaxEntScan, NNSPLICE, GeneSplicer) do not predict a difference in splicing. In summary, based on the above information the clinical significance of this variant cannot be determined with certainty at this time. This variant is classified as a variant of uncertain significance.

NM_001009944.3(PKD1):c.3679G>T (p.Ala1227Ser)

Gene: PKD1 (polycystin 1, transient receptor potential channel interacting; minus strand). Cytogenetic location: 16p13.3.
Variant type: single nucleotide variant.
Coding change: c.3679G>T on transcript NM_001009944.3 (MANE Select); coding-DNA position 3679, G replaced by T.
Protein change: p.Ala1227Ser; replaces alanine 1227 with serine.
Molecular consequence: missense variant.
Genome position (GRCh38, 1-based): chr16:2,111,488, C>A on the plus strand (G>T on the coding strand, the complement: PKD1 is on the minus strand). VCF-style: chr16-2111488-C-A. GRCh37 (hg19) VCF-style: chr16-2161489-C-A.
Other names: c.3679G>T, p.Ala1227Ser (NM_000296.4); short protein forms A1227S.
Identifiers: ClinVar variation 805161 (VCV000805161.27), dbSNP rs150710956, ClinGen allele CA7832675.